The following is an entry in ClinVar:

NM_007294.4(BRCA1):c.571G>A (p.Val191Ile)

Gene: BRCA1 (BRCA1 DNA repair associated; minus strand). Cytogenetic location: 17q21.31.
Variant type: single nucleotide variant.
Coding change: c.571G>A on transcript NM_007294.4 (MANE Select); coding-DNA position 571, G replaced by A.
Protein change: p.Val191Ile; replaces valine 191 with isoleucine.
Molecular consequence: missense variant. On other transcripts: non-coding transcript variant (1).
Genome position (GRCh38, 1-based): chr17:43,097,266, C>T on the plus strand (G>A on the coding strand, the complement: BRCA1 is on the minus strand). VCF-style: chr17-43097266-C-T. GRCh37 (hg19) VCF-style: chr17-41249283-C-T.
Other names: p.V191I:GTT>ATT; NP_009225.1:p.Val191Ile; 690G>A; c.571G>A, p.Val191Ile (NM_001407854.1, NM_001407858.1, NM_001407859.1 and 59 more transcripts); c.568G>A, p.Val190Ile (NM_001407860.1, NM_001407861.1, NM_001407972.1 and 41 more transcripts); c.361G>A, p.Val121Ile (NM_001407879.1, NM_001407881.1, NM_001407882.1 and 27 more transcripts); c.358G>A, p.Val120Ile (NM_001407894.1, NM_001407895.1, NM_001407896.1 and 12 more transcripts); c.430G>A, p.Val144Ile (NM_001407942.1, NM_001407944.1, NM_001407945.1 and 43 more transcripts); and 8 more; short protein forms V191I, V144I, V120I, V121I, V146I, V64I, V164I, V165I.
Identifiers: ClinVar variation 37684 (VCV000037684.95), dbSNP rs80357090, ClinGen allele CA003743.

ClinVar aggregate classification (germline): Benign. Review status: reviewed by expert panel (3 of 4 stars). 27 submissions from 27 submitters: Benign (1). 26 of the submissions do not count toward it. Last evaluated 2015-08-10.

Conditions:
Pancreatic cancer, susceptibility to, 4. Identifiers: Orphanet 1333, MedGen C3280442, MONDO:0013685, OMIM 614320.
Familial cancer of breast. Also called: BREAST CANCER, FAMILIAL; Hereditary breast cancer; hereditary breast carcinoma. Identifiers: Orphanet 227535, MedGen C0346153, MONDO:0016419, OMIM 114480. Disease mechanism: loss of function.
Breast-ovarian cancer, familial, susceptibility to, 1 (BROVCA1). Also called: OVARIAN CANCER, SUSCEPTIBILITY TO; BRCA1 Hereditary Breast and Ovarian Cancer. Identifiers: Orphanet 145, MedGen C2676676, MONDO:0011450, OMIM 604370. Disease mechanism: loss of function.
Fanconi anemia, complementation group S (FANCS). Identifiers: MedGen C4554406, MONDO:0054748, OMIM 617883.
Breast and/or ovarian cancer. Identifiers: MedGen CN221562.
Hereditary cancer-predisposing syndrome. Also called: Neoplastic Syndromes, Hereditary; Tumor predisposition; Hereditary Cancer Syndrome; Hereditary neoplastic syndrome. Identifiers: Orphanet 140162, MedGen C0027672, MeSH D009386, MONDO:0015356.
Hereditary breast ovarian cancer syndrome. Also called: Hereditary breast and ovarian cancer; Breast and ovarian cancer; Hereditary breast and/or ovarian cancer syndrome; Hereditary breast and ovarian cancer syndrome (HBOC); Hereditary breast and ovarian cancer syndrome; BRCA1- and BRCA2-Associated Hereditary Breast and Ovarian Cancer. Identifiers: Orphanet 145, MedGen C0677776, MeSH D061325, MONDO:0003582. Disease mechanism: loss of function.
Malignant tumor of breast. Also called: Malignant breast neoplasm; Cancer breast. Identifiers: MedGen C0006142, MONDO:0007254. Disease mechanism: loss of function.

Allele frequency attached by ClinVar (database versions not stated): gnomAD exomes 0.00007 and 0.00030; gnomAD 0.00021 and 0.00032; TOPMed 0.00025; ExAC 0.00030; ESP Exome Variant Server 0.00031; 1000 Genomes Project 30x 0.00172; 1000 Genomes Project 0.00220.

Submissions 1 to 18 of 27:

Evidence-based Network for the Interpretation of Germline Mutant Alleles (ENIGMA)
Classification: Benign for Breast-ovarian cancer, familial 1. Last evaluated: 2015-08-10. Review status: reviewed by expert panel. Criteria: ENIGMA BRCA1/2 Classification Criteria (2015). Collection method: curation. Allele origin: germline.
Comment: IARC class based on posterior probability from multifactorial likelihood analysis, thresholds for class as per Plon et al. 2008 (PMID: 18951446). Class 1 based on posterior probability = 0.000000157

Labcorp Genetics (formerly Invitae), Labcorp
Classification: Benign for Hereditary breast ovarian cancer syndrome. Last evaluated: 2026-02-03. Review status: criteria provided, single submitter. Criteria: Invitae Variant Classification Sherloc (09022015). Collection method: clinical testing. Allele origin: germline. Not counted in ClinVar's aggregate classification.

GeneKor MSA
Classification: Benign for Hereditary breast ovarian cancer syndrome. Last evaluated: 2025-07-10. Review status: criteria provided, single submitter. Criteria: ACMG Guidelines, 2015. Collection method: clinical testing. Allele origin: germline. Not counted in ClinVar's aggregate classification.

Center for Genomic Medicine, Rigshospitalet, Copenhagen University Hospital
Classification: Benign. Last evaluated: 2025-03-04. Review status: criteria provided, single submitter. Criteria: ACMG Guidelines, 2015. Collection method: clinical testing. Allele origin: germline. Not counted in ClinVar's aggregate classification.

KCCC/NGS Laboratory, Kuwait Cancer Control Center
Classification: Benign for Breast-ovarian cancer, familial, susceptibility to, 1. Last evaluated: 2025-02-01. Review status: criteria provided, single submitter. Criteria: ACMG Guidelines, 2015. Collection method: clinical testing. Allele origin: germline. Affected: no. Not counted in ClinVar's aggregate classification.

Blueprint Genetics
Classification: Likely benign. Last evaluated: 2024-10-28. Review status: criteria provided, single submitter. Criteria: ACMG Guidelines, 2015. Collection method: clinical testing. Allele origin: germline. Not counted in ClinVar's aggregate classification.

CHEO Genetics Diagnostic Laboratory, Children's Hospital of Eastern Ontario
Classification: Likely benign for Breast and/or ovarian cancer. Last evaluated: 2022-09-06. Review status: criteria provided, single submitter. Criteria: ACMG Guidelines, 2015. Collection method: clinical testing. Allele origin: germline. Not counted in ClinVar's aggregate classification.

Fulgent Genetics
Classification: Likely benign for Familial cancer of breast; Breast-ovarian cancer, familial, susceptibility to, 1; Pancreatic cancer, susceptibility to, 4; Fanconi anemia, complementation group S. Last evaluated: 2022-05-10. Review status: criteria provided, single submitter. Criteria: ACMG Guidelines, 2015. Collection method: clinical testing. Allele origin: unknown. Not counted in ClinVar's aggregate classification.

National Health Laboratory Service, Universitas Academic Hospital and University of the Free State
Classification: Benign for Hereditary breast ovarian cancer syndrome. Last evaluated: 2021-11-16. Review status: criteria provided, single submitter. Criteria: ACMG Guidelines, 2015. Collection method: clinical testing. Allele origin: germline. Affected: yes. Observed: 1 variant allele. Not counted in ClinVar's aggregate classification.

CeGaT Center for Human Genetics Tuebingen
Classification: Likely benign. Last evaluated: 2021-01-01. Review status: criteria provided, single submitter. Criteria: CeGaT Center For Human Genetics Tuebingen Variant Classification Criteria Version 2. Collection method: clinical testing. Allele origin: germline. Affected: yes. Observed: 1 variant allele. Not counted in ClinVar's aggregate classification.

Sema4
Classification: Likely benign for Hereditary cancer-predisposing syndrome. Last evaluated: 2020-12-09. Review status: criteria provided, single submitter. Criteria: Sema4 Curation Guidelines. Collection method: curation. Allele origin: germline. Not counted in ClinVar's aggregate classification.

ARUP Laboratories, Molecular Genetics and Genomics, ARUP Laboratories
Classification: Benign. Last evaluated: 2017-10-15. Review status: criteria provided, single submitter. Criteria: ARUP Molecular Germline Variant Investigation Process. Collection method: clinical testing. Allele origin: germline. Not counted in ClinVar's aggregate classification.

Illumina Laboratory Services, Illumina
Classification: Likely benign for Breast-ovarian cancer, familial, susceptibility to, 1. Last evaluated: 2017-04-27. Review status: criteria provided, single submitter. Criteria: ICSL Variant Classification Criteria 13 December 2019. Collection method: clinical testing. Allele origin: germline. Not counted in ClinVar's aggregate classification.
Comment: This variant was observed as part of a predisposition screen in an ostensibly healthy population. A literature search was performed for the gene, cDNA change, and amino acid change (where applicable). Publications were found based on this search. The evidence from the literature, in combination with allele frequency data from public databases where available, was sufficient to determine this variant is unlikely to cause disease. Therefore, this variant is classified as likely benign.

PreventionGenetics, part of Exact Sciences
Classification: Benign. Last evaluated: 2017-03-20. Review status: criteria provided, single submitter. Criteria: ACMG Guidelines, 2015. Collection method: clinical testing. Allele origin: germline. Not counted in ClinVar's aggregate classification.

Women's Health and Genetics/Laboratory Corporation of America, LabCorp
Classification: Benign. Last evaluated: 2016-03-28. Review status: criteria provided, single submitter. Criteria: LabCorp Variant Classification Summary - May 2015. Collection method: clinical testing. Allele origin: germline. Not counted in ClinVar's aggregate classification.
Comment: Variant Summary: The variant of interest causes a missense change involving a non-conserved nucleotide with 3/4 in silico programs (SNPs&GO not captured here due to low reliability index) predict a "benign" outcome. The variant of interest was observed in the large, broad control population, ExAC, with an allele frequency of 36/121098 (1/3363), predominantly in the East Asian cohort, 29/8636 (1/297), which exceeds the predicted maximum expected allele frequency for a pathogenic BRCA1 variant of 1/1000. Therefore, suggesting that the variant of interest is a polymorphism found in population(s) of East Asian origin. The variant of interest has been reported in multiple affected individuals via publications and databases including multiple reported co-occurrences with a pathogenic BRCA1 variant, c.181T>G (p.Cys61Gly classified as pathogenic by LCA) and c.188T>A (p.L63X), and a pathogenic BRCA2 variant, c.9382C>T (p.R3128X). Functional studies show that the variant acts comparable to wild type function (Bouwman_2013, Lu_2015). In addition, multiple reputable clinical laboratories cite the variant with a classification of "likely benign/benign." Therefore, taking all available lines of evidence into consideration, the variant of interest is classified as Benign.

Color Diagnostics, LLC DBA Color Health
Classification: Benign for Hereditary cancer-predisposing syndrome. Last evaluated: 2016-01-22. Review status: criteria provided, single submitter. Criteria: ACMG Guidelines, 2015. Collection method: clinical testing. Allele origin: germline. Not counted in ClinVar's aggregate classification.

Ambry Genetics
Classification: Benign for Hereditary cancer-predisposing syndrome. Last evaluated: 2014-11-18. Review status: criteria provided, single submitter. Criteria: Ambry Variant Classification Scheme 2023. Collection method: clinical testing. Allele origin: germline. Not counted in ClinVar's aggregate classification.

Pathway Genomics
Classification: Likely benign for Breast-ovarian cancer, familial 1. Last evaluated: 2014-10-30. Review status: criteria provided, single submitter. Criteria: ACMG Guidelines, 2015. Collection method: clinical testing. Allele origin: germline. Not counted in ClinVar's aggregate classification.